The following is an entry in ClinVar:

NM_003482.4(KMT2D):c.1412C>T (p.Pro471Leu)

Gene: KMT2D (lysine methyltransferase 2D; minus strand). Cytogenetic location: 12q13.12.
Variant type: single nucleotide variant.
Coding change: c.1412C>T on transcript NM_003482.4 (MANE Select); coding-DNA position 1412, C replaced by T.
Protein change: p.Pro471Leu; replaces proline 471 with leucine.
Molecular consequence: missense variant.
Genome position (GRCh38, 1-based): chr12:49,052,271, G>A on the plus strand (C>T on the coding strand, the complement: KMT2D is on the minus strand). VCF-style: chr12-49052271-G-A. GRCh37 (hg19) VCF-style: chr12-49446054-G-A.
Other names: short protein forms P471L.
Identifiers: ClinVar variation 4697833 (VCV004697833.3).
Genomic context (GRCh38, chr12:49,052,271, plus strand): 5'-TCCTCCAGCGGCCGGGACAGGTGCAATGCCTCAGGAAGTGGGGATGCGGGCAATTCCTCA[G>A]GTGGTGGTGACAGGCGTGATGCCTCAGGTGGTGGGGACGTGGGTGATTCCTCAGGTGGTG-3'
Protein context (NP_003473.3, residues 461-481): PPEASRLSPP[Pro471Leu]EELPASPLPE

ClinVar aggregate classification (germline): Conflicting classifications of pathogenicity. Review status: criteria provided, conflicting classifications (1 of 4 stars). 3 submissions from 3 submitters: Uncertain significance (2); Benign (1). Last evaluated 2026-03-26.

Conditions:
KMT2D-related disorder. Also called: KMT2D-Related Disorders.
Kabuki syndrome. Also called: NIIKAWA-KUROKI SYNDROME; Kabuki make-up syndrome. Identifiers: Orphanet 2322, MedGen C0796004, MONDO:0016512.
Kabuki syndrome 1 (KABUK1). Also called: KMT2D-Related Kabuki Syndrome. Identifiers: Orphanet 2322, MedGen CN030661, MONDO:0007843, OMIM 147920.

gnomAD v4.1: 7 of 1,609,598 alleles (0.00043%); highest among the groups gnomAD compares: Non-Finnish European, 0.00059%; no homozygotes.

Submissions (3):

PreventionGenetics, part of Exact Sciences
Classification: Uncertain significance for KMT2D-related condition. Last evaluated: 2026-03-26. Review status: criteria provided, single submitter. Criteria: ACMG Guidelines, 2015. Collection method: clinical testing. Allele origin: germline.
Comment: The KMT2D c.1412C>T variant is predicted to result in the amino acid substitution p.Pro471Leu. To our knowledge, this variant has not been reported in the literature. This variant is reported in 0.0018% of alleles in individuals of European (Non-Finnish) descent in gnomAD. Although we suspect that this variant may be benign, at this time, the clinical significance of this variant is uncertain due to the absence of conclusive functional and genetic evidence.

Clinical Genomics Laboratory, Washington University in St. Louis
Classification: Uncertain significance for Kabuki syndrome 1. Last evaluated: 2026-01-13. Review status: criteria provided, single submitter. Criteria: ACMG Guidelines, 2015. Collection method: clinical testing. Allele origin: germline.
Comment: The KMT2D c.1412C>T (p.Pro471Leu) variant, to our knowledge, has not been reported in the medical literature. This variant is only observed in 7/1,609,598 alleles in the general population (gnomAD v4.1.0), indicating it is not a common variant. Computational predictors are uncertain as to the impact of this variant on KMT2D function. Due to limited information, and based on ACMG/AMP guidelines for variant interpretation (Richards S et al., PMID: 25741868), the clinical significance of this variant is uncertain at this time.

Labcorp Genetics (formerly Invitae), Labcorp
Classification: Benign for Kabuki syndrome. Last evaluated: 2025-04-22. Review status: criteria provided, single submitter. Criteria: Invitae Variant Classification Sherloc (09022015). Collection method: clinical testing. Allele origin: germline.